The following is an entry in ClinVar:

ClinVar aggregate classification (germline): Uncertain significance (1 of 4 stars; one submission).

Conditions:
Early-infantile DEE. Also called: Early infantile epileptic encephalopathy; Early infantile epileptic encephalopathy with suppression bursts; Ohtahara syndrome. Identifiers: Orphanet 1934, MedGen C0393706, MONDO:0800491.

Submission:

Labcorp Genetics (formerly Invitae), Labcorp
Classification: Uncertain significance for Early-infantile DEE. Last evaluated: 2023-05-05. Review status: criteria provided, single submitter. Criteria: Invitae Variant Classification Sherloc (09022015). Collection method: clinical testing. Allele origin: germline.
Comment: This sequence change replaces lysine, which is basic and polar, with glutamic acid, which is acidic and polar, at codon 694 of the SCN8A protein (p.Lys694Glu). In summary, the available evidence is currently insufficient to determine the role of this variant in disease. Therefore, it has been classified as a Variant of Uncertain Significance. Advanced modeling of protein sequence and biophysical properties (such as structural, functional, and spatial information, amino acid conservation, physicochemical variation, residue mobility, and thermodynamic stability) performed at Invitae indicates that this missense variant is not expected to disrupt SCN8A protein function. This variant has not been reported in the literature in individuals affected with SCN8A-related conditions. This variant is not present in population databases (gnomAD no frequency).

NM_001330260.2(SCN8A):c.2080A>G (p.Lys694Glu)

Gene: SCN8A (sodium voltage-gated channel alpha subunit 8; plus strand). Cytogenetic location: 12q13.13.
Variant type: single nucleotide variant.
Coding change: c.2080A>G on transcript NM_001330260.2 (MANE Select); coding-DNA position 2080, A replaced by G.
Protein change: p.Lys694Glu; replaces lysine 694 with glutamic acid.
Molecular consequence: missense variant.
Genome position (GRCh38, 1-based): chr12:51,745,984, A>G. VCF-style: chr12-51745984-A-G. GRCh37 (hg19) VCF-style: chr12-52139768-A-G.
Other names: c.2080A>G, p.Lys694Glu (NM_001177984.3, NM_001369788.1, NM_014191.4); short protein forms K694E.
Identifiers: ClinVar variation 2845424 (VCV002845424.3), dbSNP rs1555223860, ClinGen allele CA384878777.